The following is an entry in ClinVar:

ClinVar aggregate classification (germline): Uncertain significance (1 of 4 stars; one submission).

gnomAD v4.1: 2 of 1,512,958 alleles (0.00013%); highest among the groups gnomAD compares: African/African-American, 0.0015%; no homozygotes.

Submission:

Labcorp Genetics (formerly Invitae), Labcorp
Classification: Uncertain significance. Last evaluated: 2021-05-18. Review status: criteria provided, single submitter. Criteria: Invitae Variant Classification Sherloc (09022015). Collection method: clinical testing. Allele origin: germline.
Comment: In summary, the available evidence is currently insufficient to determine the role of this variant in disease. Therefore, it has been classified as a Variant of Uncertain Significance. Algorithms developed to predict the effect of missense changes on protein structure and function (SIFT, PolyPhen-2, Align-GVGD) all suggest that this variant is likely to be disruptive, but these predictions have not been confirmed by published functional studies and their clinical significance is uncertain. This variant has not been reported in the literature in individuals with C1QTNF5-related conditions. The frequency data for this variant in the population databases is considered unreliable, as metrics indicate insufficient coverage at this position in the ExAC database. This sequence change replaces arginine with cysteine at codon 55 of the C1QTNF5 protein (p.Arg55Cys). The arginine residue is highly conserved and there is a large physicochemical difference between arginine and cysteine.

NM_001278431.2(C1QTNF5):c.163C>T (p.Arg55Cys)

Genes: C1QTNF5 (C1q and TNF related 5; minus strand), MFRP (membrane frizzled-related protein; minus strand). Cytogenetic location: 11q23.3.
Variant type: single nucleotide variant.
Coding change: c.163C>T on transcript NM_001278431.2 (MANE Select); coding-DNA position 163, C replaced by T.
Protein change: p.Arg55Cys; replaces arginine 55 with cysteine.
Molecular consequence: missense variant. On other transcripts: 3 prime UTR variant (1).
Genome position (GRCh38, 1-based): chr11:119,340,235, G>A on the plus strand (C>T on the coding strand, the complement: C1QTNF5 is on the minus strand). VCF-style: chr11-119340235-G-A. GRCh37 (hg19) VCF-style: chr11-119210945-G-A.
Other names: c.163C>T, p.Arg55Cys (NM_015645.5); c.*1059C>T (NM_031433.4); short protein forms R55C.
Identifiers: ClinVar variation 1487341 (VCV001487341.8), dbSNP rs1040241545, ClinGen allele CA382970438.